The following is an entry in ClinVar:

NM_152617.4(RNF168):c.1323_1326del (p.Gln442fs)

Gene: RNF168 (ring finger protein 168; minus strand). Cytogenetic location: 3q29.
Variant type: Deletion.
Coding change: c.1323_1326del on transcript NM_152617.4 (MANE Select); coding-DNA positions 1323 to 1326, 4 bases deleted (ACAA; older notation c.1323_1326delACAA).
Protein change: p.Gln442fs; shifts the reading frame from glutamine 442.
Molecular consequence: frameshift variant.
Genome position (GRCh38, 1-based): chr3:196,472,209-196,472,212, TTGT deleted on the plus strand (ACAA on the coding strand, the reverse complement: RNF168 is on the minus strand); deleting any 4 consecutive bases within chr3:196,472,209-196,472,214 gives the same sequence; the c. name uses the placement nearest the transcript's 3' end. VCF-style (leftmost placement, unchanged base first): chr3-196472208-CTTGT-C. GRCh37 (hg19) VCF-style: chr3-196199079-CTTGT-C.
Other names: short protein forms Q442fs.
Identifiers: ClinVar variation 488 (VCV000000488.4), dbSNP rs1047608955, ClinGen allele CA90838929.
Genomic context (GRCh38, chr3:196,472,208, plus strand): 5'-CCATTTGCTCTTTATCCACCTCCTTCTGAAGTTGTAATGCCAATAACCTGTCCTGTTCTT[CTTGT>C]TTATGTCTCTCAAACAGTAGATGCTCCAAATCTATCAGTTTTTGGGTAAAGTTTATTTCT-3'

ClinVar aggregate classification (germline): Likely pathogenic. Review status: criteria provided, single submitter (1 of 4 stars). 2 submissions from 2 submitters: Likely pathogenic (1). 1 of the submissions does not count toward it. Last evaluated 2024-08-02.

Conditions:
RIDDLE syndrome. Identifiers: Orphanet 420741, MedGen C2677792, MONDO:0012764, OMIM 611943.

Submissions (2):

Labcorp Genetics (formerly Invitae), Labcorp
Classification: Likely pathogenic. Last evaluated: 2024-08-02. Review status: criteria provided, single submitter. Criteria: Invitae Variant Classification Sherloc (09022015). Collection method: clinical testing. Allele origin: germline.
Comment: This sequence change creates a premature translational stop signal (p.Gln442Lysfs*45) in the RNF168 gene. While this is not anticipated to result in nonsense mediated decay, it is expected to disrupt the last 130 amino acid(s) of the RNF168 protein. This variant is not present in population databases (gnomAD no frequency). This premature translational stop signal has been observed in individual(s) with RIDDLE syndrome (PMID: 17940005, 19203578). In at least one individual the data is consistent with being in trans (on the opposite chromosome) from a pathogenic variant. ClinVar contains an entry for this variant (Variation ID: 488). Algorithms developed to predict the effect of variants on gene product structure and function are not available or were not evaluated for this variant. Experimental studies have shown that this premature translational stop signal affects RNF168 function (PMID: 19203578). In summary, the currently available evidence indicates that the variant is pathogenic, but additional data are needed to prove that conclusively. Therefore, this variant has been classified as Likely Pathogenic.

OMIM
Classification: Pathogenic for RIDDLE SYNDROME. Last evaluated: 2009-02-06. Review status: no assertion criteria provided. Collection method: literature only. Allele origin: germline. Not counted in ClinVar's aggregate classification.

Literature cited by the submitters: PubMed 17940005 (cited by Labcorp Genetics (formerly Invitae), Labcorp); PubMed 19203578 (cited by Labcorp Genetics (formerly Invitae), Labcorp and OMIM).